The following is an entry in ClinVar:

NM_005633.4(SOS1):c.208G>A (p.Val70Ile)

Gene: SOS1 (SOS Ras/Rac guanine nucleotide exchange factor 1; minus strand). Cytogenetic location: 2p22.1.
Variant type: single nucleotide variant.
Coding change: c.208G>A on transcript NM_005633.4 (MANE Select); coding-DNA position 208, G replaced by A.
Protein change: p.Val70Ile; replaces valine 70 with isoleucine.
Molecular consequence: missense variant.
Genome position (GRCh38, 1-based): chr2:39,067,633, C>T on the plus strand (G>A on the coding strand, the complement: SOS1 is on the minus strand). VCF-style: chr2-39067633-C-T. GRCh37 (hg19) VCF-style: chr2-39294774-C-T.
Other names: c.187G>A, p.Val63Ile (NM_001382394.1); c.208G>A, p.Val70Ile (NM_001382395.1); short protein forms V63I, V70I.
Identifiers: ClinVar variation 4798039 (VCV004798039.1).
Genomic context (GRCh38, chr2:39,067,633, plus strand): 5'-TACAACCAACACACAAATTAGATATAAAGTAAATACAAGACAACATTTGTCATACCTCTA[C>T]ATCTGAAGCACTTCGGGGCTGAGCTTGGCATAGCATATTTAATAATTGCAAAATTAATTC-3'
Protein context (NP_005624.2, residues 60-80): CQAQPRSASD[Val70Ile]EERVQKSFPH

ClinVar aggregate classification (germline): Uncertain significance (1 of 4 stars; one submission).

Conditions:
RASopathy. Also called: Noonan spectrum disorder; rasopathies. Identifiers: Orphanet 536391, MedGen C5555857, MONDO:0021060.

gnomAD v4.1: 1 of 1,613,242 alleles (0.000062%); highest among the groups gnomAD compares: East Asian, 0.0022%; no homozygotes.

Submission:

Labcorp Genetics (formerly Invitae), Labcorp
Classification: Uncertain significance for RASopathy. Last evaluated: 2025-12-28. Review status: criteria provided, single submitter. Criteria: Invitae Variant Classification Sherloc (09022015). Collection method: clinical testing. Allele origin: germline.
Comment: This sequence change replaces valine, which is neutral and non-polar, with isoleucine, which is neutral and non-polar, at codon 70 of the SOS1 protein (p.Val70Ile). This variant is not present in population databases (gnomAD no frequency). This variant has not been reported in the literature in individuals affected with SOS1-related conditions. Invitae Evidence Modeling of protein sequence and biophysical properties (such as structural, functional, and spatial information, amino acid conservation, physicochemical variation, residue mobility, and thermodynamic stability) has been performed for this missense variant. However, the output from this modeling did not meet the statistical confidence thresholds required to predict the impact of this variant on SOS1 protein function. In summary, the available evidence is currently insufficient to determine the role of this variant in disease. Therefore, it has been classified as a Variant of Uncertain Significance.